The following is an entry in ClinVar:

NM_005720.4(ARPC1B):c.604T>C (p.Cys202Arg)

Gene: ARPC1B (actin related protein 2/3 complex subunit 1B; plus strand). Cytogenetic location: 7q22.1.
Variant type: single nucleotide variant.
Coding change: c.604T>C on transcript NM_005720.4 (MANE Select); coding-DNA position 604, T replaced by C.
Protein change: p.Cys202Arg; replaces cysteine 202 with arginine.
Molecular consequence: missense variant.
Genome position (GRCh38, 1-based): chr7:99,390,996, T>C. VCF-style: chr7-99390996-T-C. GRCh37 (hg19) VCF-style: chr7-98988619-T-C.
Other names: short protein forms C202R.
Identifiers: ClinVar variation 1377790 (VCV001377790.6), dbSNP rs777491800, ClinGen allele CA368323522.

ClinVar aggregate classification (germline): Uncertain significance (1 of 4 stars; one submission).

gnomAD v4.1: 2 of 1,613,964 alleles (0.00012%); highest among the groups gnomAD compares: Non-Finnish European, 0.00017%; no homozygotes.

Submission:

Labcorp Genetics (formerly Invitae), Labcorp
Classification: Uncertain significance. Last evaluated: 2021-08-26. Review status: criteria provided, single submitter. Criteria: Invitae Variant Classification Sherloc (09022015). Collection method: clinical testing. Allele origin: germline.
Comment: Algorithms developed to predict the effect of missense changes on protein structure and function (SIFT, PolyPhen-2, Align-GVGD) all suggest that this variant is likely to be tolerated. In summary, the available evidence is currently insufficient to determine the role of this variant in disease. Therefore, it has been classified as a Variant of Uncertain Significance. This variant has not been reported in the literature in individuals affected with ARPC1B-related conditions. This variant is not present in population databases (ExAC no frequency). This sequence change replaces cysteine with arginine at codon 202 of the ARPC1B protein (p.Cys202Arg). The cysteine residue is moderately conserved and there is a large physicochemical difference between cysteine and arginine.